The following is an entry in ClinVar:

ClinVar aggregate classification (germline): Uncertain significance (1 of 4 stars; one submission).

Conditions:
Familial thoracic aortic aneurysm and aortic dissection (TAAD). Also called: Thoracic aortic aneurysms and dissections. Identifiers: Orphanet 91387, MedGen C4707243, MONDO:0019625.

Submission:

Ambry Genetics
Classification: Uncertain significance for Familial thoracic aortic aneurysm and aortic dissection. Last evaluated: 2024-07-29. Review status: criteria provided, single submitter. Criteria: Ambry Variant Classification Scheme 2023. Collection method: clinical testing. Allele origin: germline.
Comment: The p.S135A variant (also known as c.403T>G), located in coding exon 1 of the SKI gene, results from a T to G substitution at nucleotide position 403. The serine at codon 135 is replaced by alanine, an amino acid with similar properties. This amino acid position is conserved. In addition, the in silico prediction for this alteration is inconclusive. Based on the available evidence, the clinical significance of this variant remains unclear.

NM_003036.4(SKI):c.403T>G (p.Ser135Ala)

Gene: SKI (SKI proto-oncogene; plus strand). Cytogenetic location: 1p36.33.
Variant type: single nucleotide variant.
Coding change: c.403T>G on transcript NM_003036.4 (MANE Select); coding-DNA position 403, T replaced by G.
Protein change: p.Ser135Ala; replaces serine 135 with alanine.
Molecular consequence: missense variant.
Genome position (GRCh38, 1-based): chr1:2,229,169, T>G. VCF-style: chr1-2229169-T-G. GRCh37 (hg19) VCF-style: chr1-2160608-T-G.
Other names: short protein forms S135A.
Identifiers: ClinVar variation 3442286 (VCV003442286.1).